The following is an entry in ClinVar:

ClinVar aggregate classification (germline): Pathogenic (1 of 4 stars; one submission).

Conditions:
Tuberous sclerosis 2 (TSC2). Identifiers: Orphanet 805, MedGen C1860707, MONDO:0013199, OMIM 613254.

Submission:

Labcorp Genetics (formerly Invitae), Labcorp
Classification: Pathogenic for Tuberous sclerosis 2. Last evaluated: 2018-05-25. Review status: criteria provided, single submitter. Criteria: Invitae Variant Classification Sherloc (09022015). Collection method: clinical testing. Allele origin: germline.
Comment: This variant results in a copy number gain of the genomic region encompassing exons 3-16 of the TSC2 gene. While the exact position of this variant cannot be determined from this data, sub-genic copy number gains are generally in tandem (PMID: 25640679). This variant would be expected to be in-frame, preserving the integrity of the reading frame. This variant has been observed to be de novo in an individual with clinical features ofÂ¬â€ tuberous sclerosis complexÂ¬â€ (Invitae). Experimental studies and prediction algorithms are not available for this variant, and the functional significance of the duplicated amino acids is currently unknown. For these reasons, this variant has been classified as Pathogenic.

NC_000016.9:g.(?_2100381)_(2115656_?)dup

Gene: TSC2 (TSC complex subunit 2; plus strand). Cytogenetic location: 16p13.3.
Variant type: Duplication.
Identifiers: ClinVar variation 583818 (VCV000583818.1).